The following is an entry in ClinVar:

NM_001080449.3(DNA2):c.602dup (p.Ser202fs)

Gene: DNA2 (DNA replication helicase/nuclease 2; minus strand). Cytogenetic location: 10q21.3.
Variant type: Duplication.
Coding change: c.602dup on transcript NM_001080449.3 (MANE Select); coding-DNA position 602, one base duplicated (T; older notation c.602dupT).
Protein change: p.Ser202fs; shifts the reading frame from serine 202.
Molecular consequence: frameshift variant. On other transcripts: non-coding transcript variant (1).
Genome position (GRCh38, 1-based): chr10:68,459,221, A duplicated on the plus strand (T on the coding strand, the reverse complement: DNA2 is on the minus strand). VCF-style (leftmost placement, unchanged base first): chr10-68459220-T-TA. GRCh37 (hg19) VCF-style: chr10-70218977-T-TA.
Other names: short protein forms S202fs.
Identifiers: ClinVar variation 4728021 (VCV004728021.1).

ClinVar aggregate classification (germline): Uncertain significance (1 of 4 stars; one submission).

Submission:

Labcorp Genetics (formerly Invitae), Labcorp
Classification: Uncertain significance. Last evaluated: 2025-09-28. Review status: criteria provided, single submitter. Criteria: Invitae Variant Classification Sherloc (09022015). Collection method: clinical testing. Allele origin: germline.
Comment: This sequence change creates a premature translational stop signal (p.Ser202Lysfs*4) in the DNA2 gene. It is expected to result in an absent or disrupted protein product. However, the current clinical and genetic evidence is not sufficient to establish whether loss-of-function variants in DNA2 cause disease. This variant is not present in population databases (gnomAD no frequency). This variant has not been reported in the literature in individuals affected with DNA2-related conditions. In summary, the available evidence is currently insufficient to determine the role of this variant in disease. Therefore, it has been classified as a Variant of Uncertain Significance.